The following is an entry in ClinVar:

ClinVar aggregate classification (germline): Uncertain significance. Review status: criteria provided, multiple submitters, no conflicts (2 of 4 stars). 3 submissions from 3 submitters: Uncertain significance (3). Last evaluated 2026-04-22.

Conditions:
Inborn genetic diseases. Identifiers: MedGen C0950123, MeSH D030342.
CHARGE syndrome (CHARGE). Also called: Hittner Hirsch Kreh syndrome; CHARGE ASSOCIATION--COLOBOMA, HEART ANOMALY, CHOANAL ATRESIA, RETARDATION, GENITAL AND EAR ANOMALIES; Coloboma, heart anomaly, choanal atresia, retardation, genital and ear anomalies; CHARGE association; Hall-Hittner syndrome. Identifiers: Orphanet 138, MedGen C0265354, MONDO:0008965.

Allele frequency attached by ClinVar (database versions not stated): gnomAD exomes below 0.00001; gnomAD 0.00001; TOPMed 0.00001.
gnomAD v4.1: 2 of 1,612,502 alleles (0.00012%); highest among the groups gnomAD compares: African/African-American, 0.0027%; no homozygotes.

Submissions (3):

Ambry Genetics
Classification: Uncertain significance for Inborn genetic diseases. Last evaluated: 2026-04-22. Review status: criteria provided, single submitter. Criteria: Ambry Variant Classification Scheme 2023. Collection method: clinical testing. Allele origin: germline.

GeneDx
Classification: Uncertain significance. Last evaluated: 2024-12-20. Review status: criteria provided, single submitter. Criteria: GeneDx Variant Classification Process June 2021. Collection method: clinical testing. Allele origin: germline. Affected: yes.
Comment: Not observed at significant frequency in large population cohorts (gnomAD); In silico analysis supports that this missense variant has a deleterious effect on protein structure/function; Has not been previously published as pathogenic or benign to our knowledge

Labcorp Genetics (formerly Invitae), Labcorp
Classification: Uncertain significance for CHARGE syndrome. Last evaluated: 2023-02-14. Review status: criteria provided, single submitter. Criteria: Invitae Variant Classification Sherloc (09022015). Collection method: clinical testing. Allele origin: germline.
Comment: This sequence change replaces leucine, which is neutral and non-polar, with serine, which is neutral and polar, at codon 1579 of the CHD7 protein (p.Leu1579Ser). This variant is not present in population databases (gnomAD no frequency). This variant has not been reported in the literature in individuals affected with CHD7-related conditions. Advanced modeling of protein sequence and biophysical properties (such as structural, functional, and spatial information, amino acid conservation, physicochemical variation, residue mobility, and thermodynamic stability) has been performed at Invitae for this missense variant, however the output from this modeling did not meet the statistical confidence thresholds required to predict the impact of this variant on CHD7 protein function. In summary, the available evidence is currently insufficient to determine the role of this variant in disease. Therefore, it has been classified as a Variant of Uncertain Significance.

NM_017780.4(CHD7):c.4736T>C (p.Leu1579Ser)

Gene: CHD7 (chromodomain helicase DNA binding protein 7; plus strand). Cytogenetic location: 8q12.2.
Variant type: single nucleotide variant.
Coding change: c.4736T>C on transcript NM_017780.4 (MANE Select); coding-DNA position 4736, T replaced by C.
Protein change: p.Leu1579Ser; replaces leucine 1579 with serine.
Molecular consequence: missense variant. On other transcripts: intron variant (1).
Genome position (GRCh38, 1-based): chr8:60,841,938, T>C. VCF-style: chr8-60841938-T-C. GRCh37 (hg19) VCF-style: chr8-61754497-T-C.
Other names: c.4736T>C (NM_017780.3); c.1717-20291T>C (NM_001316690.1); short protein forms L1579S.
Identifiers: ClinVar variation 3016294 (VCV003016294.5), dbSNP rs893977114, ClinGen allele CA177349997.